The following is an entry in ClinVar:

NC_000014.8:g.(?_23897769)_(23900071_?)del

Gene: MYH7 (myosin heavy chain 7; minus strand). Cytogenetic location: 14q11.2.
Variant type: Deletion.
Identifiers: ClinVar variation 1507354 (VCV001507354.4).

ClinVar aggregate classification (germline): Likely pathogenic (1 of 4 stars; one submission).

Conditions:
Hypertrophic cardiomyopathy. Also called: HYPERTROPHIC MYOCARDIOPATHY. Identifiers: Orphanet 217569, MedGen C0007194, MeSH D002312, MONDO:0005045, HP:0001639.

Submission:

Labcorp Genetics (formerly Invitae), Labcorp
Classification: Likely pathogenic for Hypertrophic cardiomyopathy. Last evaluated: 2021-07-13. Review status: criteria provided, single submitter. Criteria: Invitae Variant Classification Sherloc (09022015). Collection method: clinical testing. Allele origin: germline.
Comment: This variant results in the deletion of exons 11-14 and part of exon 15 (c.895+43_1518delinsTT) of the MYH7 gene. It is expected to disrupt RNA splicing. Variants that disrupt the donor or acceptor splice site typically lead to a loss of protein function (PMID: 16199547), however the current clinical and genetic evidence is not sufficient to establish whether loss-of-function variants in MYH7 cause disease. Disruption of this splice site has been observed in individual(s) with clinical features of MYH7-related conditions (Invitae). It has also been observed to segregate with disease in related individuals. ClinVar contains an entry for this variant (Variation ID: 854961). In summary, the currently available evidence indicates that the variant is pathogenic, but additional data are needed to prove that conclusively. Therefore, this variant has been classified as Likely Pathogenic.

Literature cited by the submitters: PubMed 16199547.